The following is an entry in ClinVar:

ClinVar aggregate classification (germline): Uncertain significance. Review status: criteria provided, multiple submitters, no conflicts (2 of 4 stars). 2 submissions from 2 submitters: Uncertain significance (2). Last evaluated 2025-12-23.

Conditions:
Inborn genetic diseases. Identifiers: MedGen C0950123, MeSH D030342.

Allele frequency attached by ClinVar (database versions not stated): TOPMed below 0.00001; gnomAD 0.00001; gnomAD exomes 0.00002; ExAC 0.00004.
gnomAD v4.1: 34 of 1,614,024 alleles (0.0021%); highest among the groups gnomAD compares: South Asian, 0.016%; no homozygotes.

Submissions (2):

Labcorp Genetics (formerly Invitae), Labcorp
Classification: Uncertain significance. Last evaluated: 2025-12-23. Review status: criteria provided, single submitter. Criteria: Invitae Variant Classification Sherloc (09022015). Collection method: clinical testing. Allele origin: germline.
Comment: This sequence change replaces valine, which is neutral and non-polar, with isoleucine, which is neutral and non-polar, at codon 318 of the DTNBP1 protein (p.Val318Ile). This variant is present in population databases (rs753546693, gnomAD 0.01%). This variant has not been reported in the literature in individuals affected with DTNBP1-related conditions. ClinVar contains an entry for this variant (Variation ID: 2163904). Invitae Evidence Modeling of protein sequence and biophysical properties (such as structural, functional, and spatial information, amino acid conservation, physicochemical variation, residue mobility, and thermodynamic stability) indicates that this missense variant is not expected to disrupt DTNBP1 protein function with a negative predictive value of 80%. In summary, the available evidence is currently insufficient to determine the role of this variant in disease. Therefore, it has been classified as a Variant of Uncertain Significance.

Ambry Genetics
Classification: Uncertain significance for Inborn genetic diseases. Last evaluated: 2025-03-27. Review status: criteria provided, single submitter. Criteria: Ambry Variant Classification Scheme 2023. Collection method: clinical testing. Allele origin: germline.

NM_032122.5(DTNBP1):c.952G>A (p.Val318Ile)

Gene: DTNBP1 (dystrobrevin binding protein 1; minus strand). Cytogenetic location: 6p22.3.
Variant type: single nucleotide variant.
Coding change: c.952G>A on transcript NM_032122.5 (MANE Select); coding-DNA position 952, G replaced by A.
Protein change: p.Val318Ile; replaces valine 318 with isoleucine.
Molecular consequence: missense variant.
Genome position (GRCh38, 1-based): chr6:15,523,079, C>T on the plus strand (G>A on the coding strand, the complement: DTNBP1 is on the minus strand). VCF-style: chr6-15523079-C-T. GRCh37 (hg19) VCF-style: chr6-15523310-C-T.
Other names: c.709G>A, p.Val237Ile (NM_001271667.2, NM_183041.1); c.901G>A, p.Val301Ile (NM_001271668.2); c.847G>A, p.Val283Ile (NM_001271669.2); short protein forms V301I, V237I, V283I, V318I.
Identifiers: ClinVar variation 2163904 (VCV002163904.4), dbSNP rs753546693, ClinGen allele CA3643671.